The following is an entry in ClinVar:

NM_001845.6(COL4A1):c.2232G>T (p.Leu744Phe)

Gene: COL4A1 (collagen type IV alpha 1 chain; minus strand). Cytogenetic location: 13q34.
Variant type: single nucleotide variant.
Coding change: c.2232G>T on transcript NM_001845.6 (MANE Select); coding-DNA position 2232, G replaced by T.
Protein change: p.Leu744Phe; replaces leucine 744 with phenylalanine.
Molecular consequence: missense variant.
Genome position (GRCh38, 1-based): chr13:110,179,383, C>A on the plus strand (G>T on the coding strand, the complement: COL4A1 is on the minus strand). VCF-style: chr13-110179383-C-A. GRCh37 (hg19) VCF-style: chr13-110831730-C-A.
Other names: c.2232G>T (NM_001845.4); short protein forms L744F.
Identifiers: ClinVar variation 1495426 (VCV001495426.10), dbSNP rs368539530, ClinGen allele CA7047661.

ClinVar aggregate classification (germline): Uncertain significance. Review status: criteria provided, multiple submitters, no conflicts (2 of 4 stars). 3 submissions from 3 submitters: Uncertain significance (3). Last evaluated 2025-05-17.

Conditions:
Inborn genetic diseases. Identifiers: MedGen C0950123, MeSH D030342.

Allele frequency attached by ClinVar (database versions not stated): TOPMed below 0.00001; gnomAD exomes 0.00001 and 0.00002; ExAC 0.00002; ESP Exome Variant Server 0.00008.
gnomAD v4.1: 12 of 1,614,176 alleles (0.00074%); highest among the groups gnomAD compares: Admixed American, 0.005%; no homozygotes.

Submissions (3):

Ambry Genetics
Classification: Uncertain significance for Inborn genetic diseases. Last evaluated: 2025-05-17. Review status: criteria provided, single submitter. Criteria: Ambry Variant Classification Scheme 2023. Collection method: clinical testing. Allele origin: germline.

Revvity Omics, Revvity
Classification: Uncertain significance. Last evaluated: 2024-11-06. Review status: criteria provided, single submitter. Criteria: ACMG Guidelines, 2015. Collection method: clinical testing. Allele origin: germline.

Labcorp Genetics (formerly Invitae), Labcorp
Classification: Uncertain significance. Last evaluated: 2024-06-09. Review status: criteria provided, single submitter. Criteria: Invitae Variant Classification Sherloc (09022015). Collection method: clinical testing. Allele origin: germline.
Comment: This sequence change replaces leucine, which is neutral and non-polar, with phenylalanine, which is neutral and non-polar, at codon 744 of the COL4A1 protein (p.Leu744Phe). This variant is present in population databases (rs368539530, gnomAD 0.006%). This variant has not been reported in the literature in individuals affected with COL4A1-related conditions. ClinVar contains an entry for this variant (Variation ID: 1495426). An algorithm developed to predict the effect of missense changes on protein structure and function (PolyPhen-2) suggests that this variant is likely to be disruptive. In summary, the available evidence is currently insufficient to determine the role of this variant in disease. Therefore, it has been classified as a Variant of Uncertain Significance.